The following is an entry in ClinVar:

NM_000051.4(ATM):c.8550G>A (p.Leu2850=)

Genes: ATM (ATM serine/threonine kinase; plus strand), C11orf65 (chromosome 11 open reading frame 65; minus strand). Cytogenetic location: 11q22.3.
Variant type: single nucleotide variant.
Coding change: c.8550G>A on transcript NM_000051.4 (MANE Select); coding-DNA position 8550, G replaced by A.
Protein change: p.Leu2850=; no amino-acid change (leucine 2850 retained).
Molecular consequence: synonymous variant. On other transcripts: intron variant (2).
Genome position (GRCh38, 1-based): chr11:108,345,874, G>A. VCF-style: chr11-108345874-G-A. GRCh37 (hg19) VCF-style: chr11-108216601-G-A.
Other names: c.8550G>A, p.Leu2850= (NM_001351834.2); c.641-36803C>T (NM_001330368.2); c.695-10582C>T (NM_001351110.2).
Identifiers: ClinVar variation 796426 (VCV000796426.13), dbSNP rs1591265370, ClinGen allele CA476673135.
Genomic context (GRCh38, chr11:108,345,874, plus strand): 5'-TTTCCGTTACTTCTGCATGGAAAAATTCTTGGATCCAGCTATTTGGTTTGAGAAGCGATT[G>A]GCTTATACGCGCAGTGTAGCTACTTCTTCTATTGGTAATCTTCTTGTACATATAGTAGAT-3'
Protein context (NP_000042.3, residues 2840-2860): LDPAIWFEKR[Leu2850=]AYTRSVATSS

ClinVar aggregate classification (germline): Benign/Likely benign. Review status: criteria provided, multiple submitters, no conflicts (2 of 4 stars). 3 submissions from 3 submitters: Benign (1); Likely benign (2). Last evaluated 2024-06-20.

Conditions:
Familial cancer of breast. Also called: Hereditary breast cancer; BREAST CANCER, FAMILIAL; hereditary breast carcinoma. Identifiers: Orphanet 227535, MedGen C0346153, MONDO:0016419, OMIM 114480. Disease mechanism: loss of function.
Hereditary cancer-predisposing syndrome. Also called: Tumor predisposition; Neoplastic Syndromes, Hereditary; Hereditary Cancer Syndrome; Hereditary neoplastic syndrome. Identifiers: Orphanet 140162, MedGen C0027672, MeSH D009386, MONDO:0015356.
Ataxia-telangiectasia syndrome (AT). Also called: ATAXIA-TELANGIECTASIA, COMPLEMENTATION GROUP A; ATAXIA-TELANGIECTASIA, FRESNO VARIANT; Ataxia-telangiectasia; Ataxia-telangiectasia, complementation group D; AT, COMPLEMENTATION GROUP C; Ataxia-telangiectasia, complementation group E. Identifiers: Orphanet 100, MedGen C0004135, MONDO:0008840, OMIM 208900.

Submissions (3):

Myriad Genetics, Inc.
Classification: Benign for Familial cancer of breast. Last evaluated: 2024-06-20. Review status: criteria provided, single submitter. Criteria: Myriad Autosomal Dominant, Autosomal Recessive and X-Linked Classification Criteria (2023). Collection method: clinical testing. Allele origin: unknown.
Comment: This variant is considered benign. This variant is a silent/synonymous amino acid change and it is not expected to impact splicing.

Ambry Genetics
Classification: Likely benign for Hereditary cancer-predisposing syndrome. Last evaluated: 2024-01-27. Review status: criteria provided, single submitter. Criteria: Ambry Variant Classification Scheme 2023. Collection method: clinical testing. Allele origin: germline.

Labcorp Genetics (formerly Invitae), Labcorp
Classification: Likely benign for Ataxia-telangiectasia syndrome. Last evaluated: 2024-01-17. Review status: criteria provided, single submitter. Criteria: Invitae Variant Classification Sherloc (09022015). Collection method: clinical testing. Allele origin: germline.